The following is an entry in ClinVar:

ClinVar aggregate classification (germline): Uncertain significance (1 of 4 stars; one submission).

Conditions:
Cornelia de Lange syndrome 1 (CDLS1). Also called: Brachmann de Lange syndrome; NIPBL-Related Cornelia de Lange Syndrome; TYPUS DEGENERATIVUS AMSTELODAMENSIS. Identifiers: Orphanet 199, MedGen C4551851, MONDO:0007387, OMIM 122470.

Submission:

Molecular Medicine Center, Markusovszky University Teaching Hospital
Classification: Uncertain significance for Cornelia de Lange syndrome 1. Last evaluated: 2025-08-12. Review status: criteria provided, single submitter. Criteria: ACGS Best Practice Guidelines for Variant Classification in Rare Disease 2024. Collection method: clinical testing. Allele origin: germline. Inheritance: Autosomal dominant inheritance. Affected: yes. Observed: 1 heterozygote.
Comment: The variant is missing from the gnomAD 2.1.1 and the 1kG Phase 3 databases (PM2 moderate), located in a well-characterized, functionally important domain (PMID: 32433956) (PM1 supporting), multiple in silico prediction tools support that the variant is located at a conserved position, the amino acid substitution may be functionally significant (PP3 supporting), and the patient’s phenotype is specific to the disease (PP4 supporting)

Literature cited by the submitters: PubMed 32433956; PubMed 41155467.

NM_133433.4(NIPBL):c.6839A>G (p.Gln2280Arg)

Gene: NIPBL (NIPBL cohesin loading factor; plus strand). Cytogenetic location: 5p13.2.
Variant type: single nucleotide variant.
Coding change: c.6839A>G on transcript NM_133433.4 (MANE Select); coding-DNA position 6839, A replaced by G.
Protein change: p.Gln2280Arg; replaces glutamine 2280 with arginine.
Molecular consequence: missense variant.
Genome position (GRCh38, 1-based): chr5:37,049,186, A>G. VCF-style: chr5-37049186-A-G. GRCh37 (hg19) VCF-style: chr5-37049288-A-G.
Other names: c.6839A>G, p.Gln2280Arg (NM_001438586.1, NM_015384.5); short protein forms Q2280R.
Identifiers: ClinVar variation 4277228 (VCV004277228.1).
Genomic context (GRCh38, chr5:37,049,186, plus strand): 5'-AACAGGAAGACTTAAAAGAAATGGGTGATGTTTCCTCAGGGATGAGTAGTTCCATCATGC[A>G]GCTTTATCTCAAACAGGTGCTTGAGGCATTTTTTCACACCCAGTCAAGTGTACGCCACTT-3'
Protein context (NP_597677.2, residues 2270-2290): VSSGMSSSIM[Gln2280Arg]LYLKQVLEAF